The following is an entry in ClinVar:

ClinVar aggregate classification (germline): Uncertain significance (1 of 4 stars; one submission).

Submission:

Women's Health and Genetics/Laboratory Corporation of America, LabCorp
Classification: Uncertain significance. Last evaluated: 2026-06-03. Review status: criteria provided, single submitter. Criteria: LabCorp Variant Classification Summary - May 2015. Collection method: clinical testing. Allele origin: germline.
Comment: Variant summary: The variant involves the deletion of exons 15-16 in the TBL1XR1 gene. A presumed nomenclature of c.(1416+1_1417-1)_(*6155_?)del has been designated for the purposes of this classification. The exact breakpoint at the distal 3' end of this variant is unknown, therefore this deletion may extend downstream of the annotated region of the gene. Loss-of-function variants in this gene are known to be pathogenic. As it encompasses the termination codon, however, it is predicted to escape nonsense mediated decay (NMD). The variant was absent in 21624 control chromosomes. The available data on variant occurrences in the general population are insufficient to allow any conclusion about variant significance. To our knowledge, no occurrence of c.(1416+1_1417-1)_(*6155_?)del in individuals affected with TBL1XR1-related conditions and no experimental evidence demonstrating its impact on protein function have been reported. No submitters have cited clinical-significance assessments for this variant to ClinVar. Based on the evidence outlined above, the variant was classified as uncertain significance.

NC_000003.11:g.(?_176737131)_(176744263_176750758)del

Gene: TBL1XR1 (TBL1X/Y related 1; minus strand). Cytogenetic location: 3q26.32.
Variant type: Deletion.
Identifiers: ClinVar variation 4887536 (VCV004887536.1).